The following is an entry in ClinVar:

NM_001205293.3(CACNA1E):c.2074+8T>C

Gene: CACNA1E (calcium voltage-gated channel subunit alpha1 E; plus strand). Cytogenetic location: 1q25.3.
Variant type: single nucleotide variant.
Coding change: c.2074+8T>C on transcript NM_001205293.3 (MANE Select); 8 bases into the intron after coding-DNA position 2074, T replaced by C.
Molecular consequence: intron variant.
Genome position (GRCh38, 1-based): chr1:181,721,883, T>C. VCF-style: chr1-181721883-T-C. GRCh37 (hg19) VCF-style: chr1-181691019-T-C.
Other names: c.2074+8T>C (NM_000721.4, NM_001205294.2).
Identifiers: ClinVar variation 3692313 (VCV003692313.2).

ClinVar aggregate classification (germline): Uncertain significance (1 of 4 stars; one submission).

gnomAD v4.1: 3 of 1,540,388 alleles (0.00019%); highest among the groups gnomAD compares: Non-Finnish European, 0.00027%; no homozygotes.

Submission:

Labcorp Genetics (formerly Invitae), Labcorp
Classification: Uncertain significance. Last evaluated: 2024-06-21. Review status: criteria provided, single submitter. Criteria: Invitae Variant Classification Sherloc (09022015). Collection method: clinical testing. Allele origin: germline.
Comment: This sequence change falls in intron 16 of the CACNA1E gene. It does not directly change the encoded amino acid sequence of the CACNA1E protein. This variant is not present in population databases (gnomAD no frequency). This variant has not been reported in the literature in individuals affected with CACNA1E-related conditions. Algorithms developed to predict the effect of sequence changes on RNA splicing suggest that this variant may disrupt the consensus splice site. In summary, the available evidence is currently insufficient to determine the role of this variant in disease. Therefore, it has been classified as a Variant of Uncertain Significance.